The following is an entry in ClinVar:

ClinVar aggregate classification (germline): Pathogenic. Review status: reviewed by expert panel (3 of 4 stars). 30 submissions from 27 submitters: Pathogenic (1). 29 of the submissions do not count toward it. Last evaluated 2026-05-26.

Conditions:
Autosomal recessive ABCA4-related disorders.
Macular dystrophy. Identifiers: MedGen C0730292, HP:0007754.
ABCA4-related disorder. Also called: ABCA4-related disorders; ABCA4-related condition. Identifiers: MedGen CN239167.
ABCA4-related retinopathy. Also called: ABCA4 retinoapthy; ABCA4-related retinoapthy. Identifiers: MedGen CN322612, MONDO:0800406.
Severe early-childhood-onset retinal dystrophy (STGD1). Also called: Stargardt macular dystrophy; Juvenile onset macular degeneration; Stargardt disease 1; STGD; MACULAR DYSTROPHY WITH FLECKS, TYPE 1. Identifiers: Orphanet 364055, Orphanet 827, MedGen C1855465, MeSH D000080362, MONDO:0009549, OMIM 248200.
Cone-rod dystrophy 3 (CORD3). Identifiers: Orphanet 1872, MedGen C1858806, MONDO:0011395, OMIM 604116.
Retinitis pigmentosa 19 (RP19). Also called: ABCA4-Related Retinitis Pigmentosa. Identifiers: Orphanet 791, MedGen C1866422, MONDO:0011137, OMIM 601718.
Age related macular degeneration 2. Also called: MACULOPATHY, AGE-RELATED; MACULAR DEGENERATION, SENILE; MACULOPATHY, AGE-RELATED, 2. Identifiers: MedGen C3495438, MONDO:0007932, OMIM 153800.
Optic atrophy. Identifiers: MedGen C0029124, MONDO:0003608, HP:0000648.
Retinal dystrophy. Also called: Inherited retinal dystrophy. Identifiers: Orphanet 71862, MedGen C0854723, MeSH D058499, MONDO:0019118, HP:0000556.
Stargardt disease (FFM). Also called: Stargardt's disease; Fundus flavimaculatus. Identifiers: Orphanet 827, MedGen C0271093, MONDO:0019353.
Cone-rod dystrophy. Also called: Cone/cone-rod dystrophy; Cone-rod degeneration. Identifiers: Orphanet 1872, MedGen C4085590, MONDO:0015993, HP:0000548.

Allele frequency attached by ClinVar (database versions not stated): gnomAD exomes 0.00063 and 0.00148; gnomAD 0.00606 and 0.00654; ESP Exome Variant Server 0.00700; ExAC 0.00187; 1000 Genomes Project 30x 0.00484; TOPMed 0.00674; 1000 Genomes Project 0.00459.
gnomAD v4.1: 1,854 of 1,614,112 alleles (0.11%); highest among the groups gnomAD compares: African/African-American, 2.1%; 17 homozygotes.

Submissions 1 to 4 of 30:

ClinGen ABCA4 Variant Curation Expert Panel, Clingen
Classification: Pathogenic for ABCA4-related retinopathy. Last evaluated: 2026-05-26. Review status: reviewed by expert panel. Criteria: ClinGen ABCA4 ACMG Specifications V1.0.0. Collection method: curation. Allele origin: germline. Inheritance: Autosomal recessive inheritance.
Comment: The c.6320G>A (NM_000350.3) variant in ABCA4 is a missense variant predicted to cause substitution of arginine by histidine at amino acid 2107; p.Arg2107His. The GroupMax filtering allele frequency in gnomAD v4.1.0 is 0.01986, which is greater than the ClinGen ABCA4 VCEP’s threshold for BS1 (>0.0163); however, this variant is listed on the BS1 exclusion list. The computational predictor REVEL gives a score of 0.88 which is above the threshold of >0.772, meeting PP3_Moderate. The prevalence of the variant in affected individuals is significantly increased compared with the prevalence in controls with an OR of 6.1 and CI of 4.76-7.68, which is above the ABCA4 VCEP threshold of ≥5, where the CI does not contain 1 (PS4; PMID: 35120629). This variant has been detected in at least 2 individuals with ABCA4-related retinopathy. Of those individuals, 1 was compound heterozygous for the variant and a pathogenic or likely pathogenic variant but was not confirmed in trans (c.3523-1G>A; PMID: 9781034), and 1 individual was homozygous for the variant (PMID: 9781034) (PM3). Another missense variant, c.6319C>T; p.Arg2107Cys (ClinVar:635988), in the same codon has been classified as pathogenic for ABCA4-related retinopathy by the ClinGen ABCA4 VCEP, and Splice AI revealed no expected effects on splicing (PM5). ABCA4 expression in HEK293 cells showed relative protein expression of 0.90 +/- 0.17. However, ABCA4 ATPase activity in HEK293 cells showed decreased basal ATPase activity (0.66 +/- 0.13) indicating that this variant impacts protein function (PS3_Supporting; PMID 32845050). In summary, this variant meets the criteria to be classified as pathogenic for ABCA4-related retinopathy based on the ACMG/AMP criteria applied, as specified by the ClinGen ABCA4 VCEP (Specification Version 1.0.0): PS4, PM3, PP3_Moderate, PM5 and PS3_Supporting.

PreventionGenetics, part of Exact Sciences
Classification: Likely pathogenic for ABCA4-related condition. Last evaluated: 2026-08-01. Review status: criteria provided, single submitter. Criteria: ACMG Guidelines, 2015. Collection method: clinical testing. Allele origin: germline. Not counted in ClinVar's aggregate classification.
Comment: The ABCA4 c.6320G>A variant is predicted to result in the amino acid substitution p.Arg2107His. This variant has been reported many times to be causative for ABCA4-associated retinal disorders (see for example Rozet et al. 1998. PubMed ID: 9781034; Riveiro-Alvarez et al. 2009. PubMed ID: 18977788; Fujinami et al. 2018. PubMed ID: 29925512). Missense prediction programs classify this amino acid change as damaging, and multiple functional studies have confirmed that this variant has a mild hypomorphic effect on the protein (Sun et al. 2000. PubMed ID: 11017087; Curtis et al. 2020. PubMed ID: 32845050). Given the mild effect, the literature suggests that individuals who are homozygous for this variant have a very mild phenotype (Zernant et al. 2014. PubMed ID: 25066811). This variant is present in 2.1% of alleles in individuals of African descent in gnomAD, including multiple homozygous individuals, which is consistent with the reports of this variant being a mild hypomorph, and may require a second severe variant on the opposite allele (in trans) to cause disease (Lee et al. 2022. PubMed ID: 34874912). Given the evidence, we interpret this variant as likely pathogenic.

Labcorp Genetics (formerly Invitae), Labcorp
Classification: Pathogenic. Last evaluated: 2026-02-01. Review status: criteria provided, single submitter. Criteria: Invitae Variant Classification Sherloc (09022015). Collection method: clinical testing. Allele origin: germline. Not counted in ClinVar's aggregate classification.
Comment: This sequence change replaces arginine, which is basic and polar, with histidine, which is basic and polar, at codon 2107 of the ABCA4 protein (p.Arg2107His). This variant is present in population databases (rs62642564, gnomAD 2.1%), including at least one homozygous and/or hemizygous individual. This missense change has been observed in individual(s) with Stargardt disease and/or cone dystrophy (PMID: 9781034, 10458172, 19243736, 24011517, 25066811, 25283059, 28118664, 28446513, 28559085, 29925512, 30060493, 32307445, 32619608). In at least one individual the data is consistent with being in trans (on the opposite chromosome) from a pathogenic variant. ClinVar contains an entry for this variant (Variation ID: 99448). Invitae Evidence Modeling of protein sequence and biophysical properties (such as structural, functional, and spatial information, amino acid conservation, physicochemical variation, residue mobility, and thermodynamic stability) indicates that this missense variant is expected to disrupt ABCA4 protein function with a positive predictive value of 95%. Experimental studies have shown that this missense change affects ABCA4 function (PMID: 11017087). This variant disrupts the p.Arg2107 amino acid residue in ABCA4. Other variant(s) that disrupt this residue have been determined to be pathogenic (PMID: 11527935, 23755871, 24097981, 29310964, 29925512, 30718709). This suggests that this residue is clinically significant, and that variants that disrupt this residue are likely to be disease-causing. For these reasons, this variant has been classified as Pathogenic.

3billion
Classification: Pathogenic for ABCA4-related disorder. Last evaluated: 2025-12-16. Review status: criteria provided, single submitter. Criteria: ACMG Guidelines, 2015. Collection method: clinical testing. Allele origin: germline. Affected: yes. Not counted in ClinVar's aggregate classification.
Comment: The variant is observed in the gnomAD v4.1.0 dataset (total allele frequency: 0.115%). Predicted Consequence/Location: Missense variant In silico tool predictions suggest damaging effect of the variant on gene or gene product [REVEL: 0.88 (>=0.6, sensitivity 0.68 and specificity 0.92); 3Cnet: 0.83 (> 0.75, sensitivity 0.96 and precision 0.92)]. The same nucleotide change resulting in the same amino acid change has been previously reported as pathogenic/likely pathogenic with strong evidence (ClinVar ID: VCV000099448/PMID: 9781034/3billion dataset). The variant has been reported to be in trans with a pathogenic variant as either compound heterozygous or homozygous in at least 4 similarly affected unrelated individuals (PMID: 10458172, 25066811, 28446513, 28559085, 32619608, 9781034). Different missense changes at the same codon (p.Arg2107Cys, p.Arg2107Pro) have been reported as pathogenic/likely pathogenic with strong evidence (ClinVar ID: VCV000635988/PMID: 11527935, 18977788/3billion dataset). Therefore, this variant is classified as Pathogenic according to the recommendation of ACMG/AMP guideline.

NM_000350.3(ABCA4):c.6320G>A (p.Arg2107His)

Gene: ABCA4 (ATP binding cassette subfamily A member 4; minus strand). Cytogenetic location: 1p22.1.
Variant type: single nucleotide variant.
Coding change: c.6320G>A on transcript NM_000350.3 (MANE Select); coding-DNA position 6320, G replaced by A.
Protein change: p.Arg2107His; replaces arginine 2107 with histidine.
Molecular consequence: missense variant.
Genome position (GRCh38, 1-based): chr1:94,001,068, C>T on the plus strand (G>A on the coding strand, the complement: ABCA4 is on the minus strand). VCF-style: chr1-94001068-C-T. GRCh37 (hg19) VCF-style: chr1-94466624-C-T.
Other names: NM_000350.3(ABCA4):c.6320G>A; c.6098G>A, p.Arg2033His (NM_001425324.1); short protein forms R2107H, R2033H.
Identifiers: ClinVar variation 99448 (VCV000099448.75), dbSNP rs62642564, ClinGen allele CA227389.
Genomic context (GRCh38, chr1:94,001,068, plus strand): 5'-GATGTGAGGACCACAGCCCTCCCTTCTCTGATGATGCTCACGATGACGTTCCACAGCATG[C>T]GGCGTGCCTGGGGGTCCATCCCTGTGGTGGGCTCATCCTGGGGGGTGGAGAGAAGGTTGG-3'
Protein context (NP_000341.2, residues 2097-2117): PTTGMDPQAR[Arg2107His]MLWNVIVSII